The following is an entry in ClinVar:

ClinVar aggregate classification (germline): Pathogenic. Review status: criteria provided, multiple submitters, no conflicts (2 of 4 stars). 2 submissions from 2 submitters: Pathogenic (2). Last evaluated 2025-10-01.

Conditions:
Breast-ovarian cancer, familial, susceptibility to, 2 (BROVCA2). Also called: BRCA2 Hereditary Breast and Ovarian Cancer. Identifiers: Orphanet 145, MedGen C2675520, MONDO:0012933, OMIM 612555. Disease mechanism: loss of function.

Submissions (2):

CeGaT Center for Human Genetics Tuebingen
Classification: Pathogenic. Last evaluated: 2025-10-01. Review status: criteria provided, single submitter. Criteria: CeGaT Center For Human Genetics Tuebingen Variant Classification Criteria Version 2. Collection method: clinical testing. Allele origin: germline. Affected: yes. Observed: 1 variant allele.
Comment: BRCA2: PVS1, PM2

Myriad Genetics, Inc.
Classification: Pathogenic for Breast-ovarian cancer, familial, susceptibility to, 2. Last evaluated: 2025-04-29. Review status: criteria provided, single submitter. Criteria: Myriad Autosomal Dominant, Autosomal Recessive and X-Linked Classification Criteria (2023). Collection method: clinical testing. Allele origin: unknown.
Comment: This variant is considered pathogenic. This variant creates a termination codon and is predicted to result in premature protein truncation.

NM_000059.4(BRCA2):c.1135G>T (p.Gly379Ter)

Gene: BRCA2 (BRCA2 DNA repair associated; plus strand). Cytogenetic location: 13q13.1.
Variant type: single nucleotide variant.
Coding change: c.1135G>T on transcript NM_000059.4 (MANE Select); coding-DNA position 1135, G replaced by T.
Protein change: p.Gly379Ter; replaces glycine 379 with a stop codon.
Molecular consequence: nonsense. On other transcripts: non-coding transcript variant (1), intron variant (1).
Genome position (GRCh38, 1-based): chr13:32,332,613, G>T. VCF-style: chr13-32332613-G-T. GRCh37 (hg19) VCF-style: chr13-32906750-G-T.
Other names: c.1135G>T, p.Gly379Ter (NM_001406719.1, NM_001406720.1, NM_001406721.1 and 1 more transcripts); c.424+1583G>T (NM_001406722.1); short protein forms G379*.
Identifiers: ClinVar variation 4071218 (VCV004071218.7).